The following is an entry in ClinVar:

NM_004380.3(CREBBP):c.1132C>T (p.Arg378Trp)

Gene: CREBBP (CREB binding protein; minus strand). Cytogenetic location: 16p13.3.
Variant type: single nucleotide variant.
Coding change: c.1132C>T on transcript NM_004380.3 (MANE Select); coding-DNA position 1132, C replaced by T.
Protein change: p.Arg378Trp; replaces arginine 378 with tryptophan.
Molecular consequence: missense variant.
Genome position (GRCh38, 1-based): chr16:3,793,470, G>A on the plus strand (C>T on the coding strand, the complement: CREBBP is on the minus strand). VCF-style: chr16-3793470-G-A. GRCh37 (hg19) VCF-style: chr16-3843471-G-A.
Other names: c.1132C>T, p.Arg378Trp (NM_001079846.1); short protein forms R378W.
Identifiers: ClinVar variation 423200 (VCV000423200.2), dbSNP rs1064796292, ClinGen allele CA16620208.

ClinVar aggregate classification (germline): Uncertain significance (1 of 4 stars; one submission).

gnomAD v4.1: 4 of 1,614,072 alleles (0.00025%); highest among the groups gnomAD compares: South Asian, 0.0011%; no homozygotes.

Submission:

GeneDx
Classification: Uncertain significance. Last evaluated: 2017-02-08. Review status: criteria provided, single submitter. Criteria: GeneDx Variant Classification (06012015). Collection method: clinical testing. Allele origin: germline. Affected: yes.
Comment: The R378W variant in the CREBBP gene has not been reported previously as a pathogenic variant, nor as a benign variant, to our knowledge. The R378W variant is not observed in large population cohorts (Lek et al., 2016; 1000 Genomes Consortium et al., 2015; Exome Variant Server). The R378W variant is a non-conservative amino acid substitution, which is likely to impact secondary protein structure as these residues differ in polarity, charge, size and/or other properties. This substitution occurs at a position that is conserved across species, and in silico analysis predicts this variant is probably damaging to the protein structure/function. We interpret R378W as a variant of uncertain significance.